The following is an entry in ClinVar:

NM_002506.3(NGF):c.680_682delinsA (p.Thr227fs)

Genes: NGF (nerve growth factor; minus strand), NGF-AS1 (NGF antisense RNA 1; plus strand). Cytogenetic location: 1p13.2.
Variant type: Indel.
Coding change: c.680_682delinsA on transcript NM_002506.3 (MANE Select); coding-DNA positions 680 to 682, CGG replaced by A.
Protein change: p.Thr227fs; shifts the reading frame from threonine 227.
Molecular consequence: frameshift variant.
Genome position (GRCh38, 1-based): chr1:115,286,114-115,286,116, CCG replaced by T on the plus strand (CGG replaced by A on the coding strand, the reverse complement: NGF is on the minus strand). VCF-style: chr1-115286114-CCG-T. GRCh37 (hg19) VCF-style: chr1-115828735-CCG-T.
Other names: short protein forms T227fs.
Identifiers: ClinVar variation 29802 (VCV000029802.4), dbSNP rs2101018240, ClinGen allele CA2573130970.

ClinVar aggregate classification (germline): Pathogenic. Review status: criteria provided, single submitter (1 of 4 stars). 2 submissions from 2 submitters: Pathogenic (1). 1 of the submissions does not count toward it. Last evaluated 2024-10-04.

Conditions:
Congenital sensory neuropathy with selective loss of small myelinated fibers (HSAN5). Also called: HSAN Type V. Identifiers: Orphanet 64752, MedGen C0020075, MONDO:0012092, OMIM 608654.
Peripheral neuropathy. Also called: Neuropathy. Identifiers: MedGen C0031117, MONDO:0005244, HP:0009830.

Submissions (2):

Dubai Health Genomic Medicine Center, Dubai Health
Classification: Pathogenic for Neuropathy. Last evaluated: 2024-10-04. Review status: criteria provided, single submitter. Criteria: ACMG Guidelines, 2015. Collection method: research. Allele origin: germline. Affected: yes.
Comment: PVS1,PS3,PP1,PM2

OMIM
Classification: Pathogenic for NEUROPATHY, HEREDITARY SENSORY AND AUTONOMIC, TYPE V. Last evaluated: 2014-10-31. Review status: no assertion criteria provided. Collection method: literature only. Allele origin: germline. Not counted in ClinVar's aggregate classification.

Literature cited by the submitters: PubMed 20978020 (cited by OMIM); PubMed 25359976 (cited by OMIM).